The following is an entry in ClinVar:

NM_017780.4(CHD7):c.4533+46A>G

Gene: CHD7 (chromodomain helicase DNA binding protein 7; plus strand). Cytogenetic location: 8q12.2.
Variant type: single nucleotide variant.
Coding change: c.4533+46A>G on transcript NM_017780.4 (MANE Select); 46 bases into the intron after coding-DNA position 4533, A replaced by G.
Molecular consequence: intron variant.
Genome position (GRCh38, 1-based): chr8:60,838,301, A>G. VCF-style: chr8-60838301-A-G. GRCh37 (hg19) VCF-style: chr8-61750860-A-G.
Other names: c.1717-23928A>G (NM_001316690.1).
Identifiers: ClinVar variation 158327 (VCV000158327.13), dbSNP rs7844902, ClinGen allele CA171776.

ClinVar aggregate classification (germline): Benign. Review status: criteria provided, multiple submitters, no conflicts (2 of 4 stars). 6 submissions from 5 submitters: Benign (5). 1 of the submissions does not count toward it. Last evaluated 2021-07-22.

Conditions:
CHARGE syndrome (CHARGE). Also called: CHARGE ASSOCIATION--COLOBOMA, HEART ANOMALY, CHOANAL ATRESIA, RETARDATION, GENITAL AND EAR ANOMALIES; Hittner Hirsch Kreh syndrome; Coloboma, heart anomaly, choanal atresia, retardation, genital and ear anomalies; CHARGE association; Hall-Hittner syndrome. Identifiers: Orphanet 138, MedGen C0265354, MONDO:0008965.
Hypogonadotropic hypogonadism 5 with or without anosmia (KAL5). Also called: HYPOGONADOTROPIC HYPOGONADISM 5 WITH ANOSMIA; HYPOGONADOTROPHIC HYPOGONADISM 5 WITHOUT ANOSMIA; CHD7-Related GnRH Deficiency (Kallmann Syndrome 5). Identifiers: Orphanet 478, MedGen C3552553, MONDO:0012880, OMIM 612370. Disease mechanism: loss of function.

Allele frequency attached by ClinVar (database versions not stated): TOPMed 0.77273; gnomAD 0.77651 and 0.78245; 1000 Genomes Project 30x 0.83182; ESP Exome Variant Server 0.76628; gnomAD exomes 0.80443; ExAC 0.81372; 1000 Genomes Project 0.83906.
gnomAD v4.1: 1,179,178 of 1,534,680 alleles (77%); highest among the groups gnomAD compares: East Asian, 94%; 455,325 homozygotes.

Submissions (6):

Genome-Nilou Lab
Classification: Benign for CHD7-related CHARGE syndrome. Last evaluated: 2021-07-22. Review status: criteria provided, single submitter. Criteria: ACMG Guidelines, 2015. Collection method: clinical testing. Allele origin: germline. Affected: no.

Genome-Nilou Lab
Classification: Benign for Hypogonadotropic hypogonadism 5 with or without anosmia. Last evaluated: 2021-07-22. Review status: criteria provided, single submitter. Criteria: ACMG Guidelines, 2015. Collection method: clinical testing. Allele origin: germline. Affected: no.

GeneDx
Classification: Benign. Last evaluated: 2015-03-03. Review status: criteria provided, single submitter. Criteria: GeneDx Variant Classification Process June 2021. Collection method: clinical testing. Allele origin: germline. Affected: yes.

Breakthrough Genomics
Classification: Benign. Review status: criteria provided, single submitter. Criteria: ACMG Guidelines, 2015. Collection method: not provided. Allele origin: germline. Inheritance: Autosomal dominant inheritance. Affected: yes.

PreventionGenetics, part of Exact Sciences
Classification: Benign. Review status: criteria provided, single submitter. Criteria: ACMG Guidelines, 2015. Collection method: clinical testing. Allele origin: germline.

Genetic Services Laboratory, University of Chicago
Classification: Likely benign. Review status: no assertion criteria provided. Collection method: clinical testing. Allele origin: germline. Inheritance: Autosomal dominant inheritance. Not counted in ClinVar's aggregate classification.
Comment: Likely benign based on allele frequency in 1000 Genomes Project or ESP global frequency and its presence in a patient with a rare or unrelated disease phenotype. NOT Sanger confirmed